The following is an entry in ClinVar:

ClinVar aggregate classification (germline): Uncertain significance (1 of 4 stars; one submission).

Submission:

Labcorp Genetics (formerly Invitae), Labcorp
Classification: Uncertain significance. Last evaluated: 2022-03-18. Review status: criteria provided, single submitter. Criteria: Invitae Variant Classification Sherloc (09022015). Collection method: clinical testing. Allele origin: germline.
Comment: This variant has not been reported in the literature in individuals affected with CCDC8-related conditions. In summary, the available evidence is currently insufficient to determine the role of this variant in disease. Therefore, it has been classified as a Variant of Uncertain Significance. Algorithms developed to predict the effect of missense changes on protein structure and function (SIFT, PolyPhen-2, Align-GVGD) all suggest that this variant is likely to be disruptive. This variant is not present in population databases (gnomAD no frequency). This sequence change replaces alanine, which is neutral and non-polar, with serine, which is neutral and polar, at codon 166 of the CCDC8 protein (p.Ala166Ser).

NM_032040.5(CCDC8):c.496G>T (p.Ala166Ser)

Gene: CCDC8 (coiled-coil domain containing 8 subunit of 3M complex; minus strand). Cytogenetic location: 19q13.32.
Variant type: single nucleotide variant.
Coding change: c.496G>T on transcript NM_032040.5 (MANE Select); coding-DNA position 496, G replaced by T.
Protein change: p.Ala166Ser; replaces alanine 166 with serine.
Molecular consequence: missense variant.
Genome position (GRCh38, 1-based): chr19:46,412,315, C>A on the plus strand (G>T on the coding strand, the complement: CCDC8 is on the minus strand). VCF-style: chr19-46412315-C-A. GRCh37 (hg19) VCF-style: chr19-46915572-C-A.
Other names: short protein forms A166S.
Identifiers: ClinVar variation 1482164 (VCV001482164.6), dbSNP rs2147432542, ClinGen allele CA406462442.